The following is an entry in ClinVar:

ClinVar aggregate classification (germline): Uncertain significance (1 of 4 stars; one submission).

Conditions:
Charcot-Marie-Tooth disease axonal type 2Z. Also called: CHARCOT-MARIE-TOOTH DISEASE, AXONAL, AUTOSOMAL DOMINANT, TYPE 2Z; CHARCOT-MARIE-TOOTH NEUROPATHY, TYPE 2Z. Identifiers: Orphanet 466768, MedGen C5569025, MONDO:0014736, OMIM 616688.

Allele frequency attached by ClinVar (database versions not stated): gnomAD exomes below 0.00001; ExAC 0.00001; gnomAD 0.00001; TOPMed 0.00001.
gnomAD v4.1: 3 of 1,613,076 alleles (0.00019%); highest among the groups gnomAD compares: African/African-American, 0.0013%; no homozygotes.

Submission:

Labcorp Genetics (formerly Invitae), Labcorp
Classification: Uncertain significance for Charcot-Marie-Tooth disease axonal type 2Z. Last evaluated: 2020-05-30. Review status: criteria provided, single submitter. Criteria: Invitae Variant Classification Sherloc (09022015). Collection method: clinical testing. Allele origin: germline.
Comment: This sequence change replaces arginine with tryptophan at codon 237 of the MORC2 protein (p.Arg237Trp). The arginine residue is highly conserved and there is a moderate physicochemical difference between arginine and tryptophan. This variant is present in population databases (rs762233089, ExAC 0.01%). This variant has not been reported in the literature in individuals with MORC2-related conditions. Algorithms developed to predict the effect of missense changes on protein structure and function are either unavailable or do not agree on the potential impact of this missense change (SIFT: "Not Available"; PolyPhen-2: "Probably Damaging"; Align-GVGD: "Not Available"). In summary, the available evidence is currently insufficient to determine the role of this variant in disease. Therefore, it has been classified as a Variant of Uncertain Significance.

NM_001303256.3(MORC2):c.709C>T (p.Arg237Trp)

Gene: MORC2 (MORC family CW-type zinc finger 2; minus strand). Cytogenetic location: 22q12.2.
Variant type: single nucleotide variant.
Coding change: c.709C>T on transcript NM_001303256.3 (MANE Select); coding-DNA position 709, C replaced by T.
Protein change: p.Arg237Trp; replaces arginine 237 with tryptophan.
Molecular consequence: missense variant.
Genome position (GRCh38, 1-based): chr22:30,941,548, G>A on the plus strand (C>T on the coding strand, the complement: MORC2 is on the minus strand). VCF-style: chr22-30941548-G-A. GRCh37 (hg19) VCF-style: chr22-31337535-G-A.
Other names: c.709C>T, p.Arg237Trp (NM_001303257.2); c.523C>T, p.Arg175Trp (NM_014941.3); short protein forms R175W, R237W.
Identifiers: ClinVar variation 1061464 (VCV001061464.7), dbSNP rs762233089, ClinGen allele CA10187181.
Genomic context (GRCh38, chr22:30,941,548, plus strand): 5'-TGAAGATCCTCATCCGGGGATCAATATAGAGCACAGCGGCATAGGCACGGAACGAGCGCC[G>A]CTCTGGCTTCCTGGAGAGGGCAAAAACAGAGAAGTGCTGTCACCTGCTCCACAACAGGCC-3'
Protein context (NP_001290185.1, residues 227-247): ETSPEGTKPE[Arg237Trp]RSFRAYAAVL